The following is an entry in ClinVar:

ClinVar aggregate classification (germline): Uncertain significance (1 of 4 stars; one submission).

Allele frequency attached by ClinVar (database versions not stated): TOPMed below 0.00001; gnomAD 0.00001.
gnomAD v4.1: 2 of 1,613,620 alleles (0.00012%); highest among the groups gnomAD compares: Admixed American, 0.0017%; no homozygotes.

Submission:

Labcorp Genetics (formerly Invitae), Labcorp
Classification: Uncertain significance. Last evaluated: 2022-11-08. Review status: criteria provided, single submitter. Criteria: Invitae Variant Classification Sherloc (09022015). Collection method: clinical testing. Allele origin: germline.
Comment: This variant is present in population databases (no rsID available, gnomAD 0.0009%). This sequence change replaces arginine, which is basic and polar, with glutamine, which is neutral and polar, at codon 629 of the ERCC6 protein (p.Arg629Gln). This variant has not been reported in the literature in individuals affected with ERCC6-related conditions. Advanced modeling of protein sequence and biophysical properties (such as structural, functional, and spatial information, amino acid conservation, physicochemical variation, residue mobility, and thermodynamic stability) performed at Invitae indicates that this missense variant is not expected to disrupt ERCC6 protein function. In summary, the available evidence is currently insufficient to determine the role of this variant in disease. Therefore, it has been classified as a Variant of Uncertain Significance.

NM_000124.4(ERCC6):c.1886G>A (p.Arg629Gln)

Gene: ERCC6 (ERCC excision repair 6, chromatin remodeling factor; minus strand). Cytogenetic location: 10q11.23.
Variant type: single nucleotide variant.
Coding change: c.1886G>A on transcript NM_000124.4 (MANE Select); coding-DNA position 1886, G replaced by A.
Protein change: p.Arg629Gln; replaces arginine 629 with glutamine.
Molecular consequence: missense variant.
Genome position (GRCh38, 1-based): chr10:49,483,452, C>T on the plus strand (G>A on the coding strand, the complement: ERCC6 is on the minus strand). VCF-style: chr10-49483452-C-T. GRCh37 (hg19) VCF-style: chr10-50691498-C-T.
Other names: c.1886G>A, p.Arg629Gln (NM_001346440.2); short protein forms R629Q.
Identifiers: ClinVar variation 1911715 (VCV001911715.5), dbSNP rs1468281496, ClinGen allele CA376725051.
Genomic context (GRCh38, chr10:49,483,452, plus strand): 5'-TGTCCTTCGTCCAAGATCACATAGTGCCAGTCATACCTGCTAATGTCATCCTGCATCAAT[C>T]GAATGTAGGAGTAAGATGTGATCAAAATTCCATGACAATGAGCAACATCTCGAATTAGTT-3'
Protein context (NP_000115.1, residues 619-639): GILITSYSYI[Arg629Gln]LMQDDISRYD